The following is an entry in ClinVar:

NM_014009.4(FOXP3):c.254G>A (p.Arg85Gln)

Gene: FOXP3 (forkhead box P3; minus strand). Cytogenetic location: Xp11.23.
Variant type: single nucleotide variant.
Coding change: c.254G>A on transcript NM_014009.4 (MANE Select); coding-DNA position 254, G replaced by A.
Protein change: p.Arg85Gln; replaces arginine 85 with glutamine.
Molecular consequence: missense variant. On other transcripts: intron variant (1).
Genome position (GRCh38, 1-based): chrX:49,257,725, C>T on the plus strand (G>A on the coding strand, the complement: FOXP3 is on the minus strand). VCF-style: chrX-49257725-C-T. GRCh37 (hg19) VCF-style: chrX-49114182-C-T.
Other names: c.211-160G>A (NM_001114377.2); short protein forms R85Q.
Identifiers: ClinVar variation 1061834 (VCV001061834.11), dbSNP rs782628979, ClinGen allele CA10411837.
Genomic context (GRCh38, chrX:49,257,725, plus strand): 5'-TGGTGCATGAAATGTGGCCTGTCCTGGAGGAGTGCCTGTAAGTGGGGCAAGGGGCCCAGC[C>T]GTGCCCCGGAGGGTGCCACCATGACTAGGGGCAGTGTGGGCAGCTGGGCAGAAAGGCAGG-3'
Protein context (NP_054728.2, residues 75-95): PLVMVAPSGA[Arg85Gln]LGPLPHLQAL

ClinVar aggregate classification (germline): Uncertain significance. Review status: criteria provided, multiple submitters, no conflicts (2 of 4 stars). 3 submissions from 3 submitters: Uncertain significance (3). Last evaluated 2025-04-10.

Conditions:
Insulin-dependent diabetes mellitus secretory diarrhea syndrome (IPEX). Also called: Immunodysregulation, polyendocrinopathy, and enteropathy, X-linked; X-Linked Autoimmunity-Allergic Dysregulation Syndrome; Immune dysregulation-polyendocrinopathy-enteropathy-X-linked syndrome; IMMUNODEFICIENCY, POLYENDOCRINOPATHY, AND ENTEROPATHY, X-LINKED; DIABETES MELLITUS, CONGENITAL INSULIN-DEPENDENT, WITH FATAL SECRETORY DIARRHEA; DIARRHEA, POLYENDOCRINOPATHY, FATAL INFECTION SYNDROME, X-LINKED. Identifiers: Orphanet 37042, MedGen C0342288, MONDO:0010580, OMIM 304790. Disease mechanism: loss of function.

Allele frequency attached by ClinVar (database versions not stated): gnomAD 0.00002; TOPMed 0.00004; ExAC 0.00005; gnomAD exomes 0.00008.
gnomAD v4.1: 89 of 1,175,392 alleles (0.0076%); highest among the groups gnomAD compares: Non-Finnish European, 0.009%; no homozygotes.

Submissions (3):

Labcorp Genetics (formerly Invitae), Labcorp
Classification: Uncertain significance for Insulin-dependent diabetes mellitus secretory diarrhea syndrome. Last evaluated: 2025-04-10. Review status: criteria provided, single submitter. Criteria: Invitae Variant Classification Sherloc (09022015). Collection method: clinical testing. Allele origin: germline.
Comment: This sequence change replaces arginine, which is basic and polar, with glutamine, which is neutral and polar, at codon 85 of the FOXP3 protein (p.Arg85Gln). The frequency data for this variant in the population databases is considered unreliable, as metrics indicate poor data quality at this position in the gnomAD database. This variant has not been reported in the literature in individuals affected with FOXP3-related conditions. ClinVar contains an entry for this variant (Variation ID: 1061834). Invitae Evidence Modeling of protein sequence and biophysical properties (such as structural, functional, and spatial information, amino acid conservation, physicochemical variation, residue mobility, and thermodynamic stability) indicates that this missense variant is not expected to disrupt FOXP3 protein function with a negative predictive value of 80%. In summary, the available evidence is currently insufficient to determine the role of this variant in disease. Therefore, it has been classified as a Variant of Uncertain Significance.

Laboratorio de Genetica e Diagnostico Molecular, Hospital Israelita Albert Einstein
Classification: Uncertain significance for Insulin-dependent diabetes mellitus secretory diarrhea syndrome. Last evaluated: 2023-07-11. Review status: criteria provided, single submitter. Criteria: ACMG Guidelines, 2015. Collection method: clinical testing. Allele origin: germline. Affected: yes.
Comment: ACMG classification criteria: PM2 moderate, BP4 supporting

Fulgent Genetics
Classification: Uncertain significance for Insulin-dependent diabetes mellitus secretory diarrhea syndrome. Last evaluated: 2021-08-30. Review status: criteria provided, single submitter. Criteria: ACMG Guidelines, 2015. Collection method: clinical testing. Allele origin: unknown.